The following is an entry in ClinVar:

ClinVar aggregate classification (germline): Likely benign. Review status: criteria provided, multiple submitters, no conflicts (2 of 4 stars). 2 submissions from 2 submitters: Likely benign (2). Last evaluated 2026-04-01.

Allele frequency attached by ClinVar (database versions not stated): ExAC 0.00011; gnomAD 0.00017; TOPMed 0.00019; ESP Exome Variant Server 0.00023.
gnomAD v4.1: 223 of 1,614,098 alleles (0.014%); highest among the groups gnomAD compares: Middle Eastern, 0.033%; 2 homozygotes.

Submissions (2):

CeGaT Center for Human Genetics Tuebingen
Classification: Likely benign. Last evaluated: 2026-04-01. Review status: criteria provided, single submitter. Criteria: CeGaT Center For Human Genetics Tuebingen Variant Classification Criteria Version 2. Collection method: clinical testing. Allele origin: germline. Affected: yes. Observed: 3 variant alleles.
Comment: HERC2: BP4, BP7

Blueprint Genetics
Classification: Likely benign. Last evaluated: 2024-09-10. Review status: criteria provided, single submitter. Criteria: ACMG Guidelines, 2015. Collection method: clinical testing. Allele origin: germline.

NM_004667.6(HERC2):c.10260C>T (p.Ala3420=)

Gene: HERC2 (HECT and RLD domain containing E3 ubiquitin protein ligase 2; minus strand). Cytogenetic location: 15q13.1.
Variant type: single nucleotide variant.
Coding change: c.10260C>T on transcript NM_004667.6 (MANE Select); coding-DNA position 10260, C replaced by T.
Protein change: p.Ala3420=; no amino-acid change (alanine 3420 retained).
Molecular consequence: synonymous variant.
Genome position (GRCh38, 1-based): chr15:28,168,560, G>A on the plus strand (C>T on the coding strand, the complement: HERC2 is on the minus strand). VCF-style: chr15-28168560-G-A. GRCh37 (hg19) VCF-style: chr15-28413706-G-A.
Identifiers: ClinVar variation 3025120 (VCV003025120.23), dbSNP rs149756942, ClinGen allele CA7440909.